The following is an entry in ClinVar:

ClinVar aggregate classification (germline): Pathogenic. Review status: criteria provided, multiple submitters, no conflicts (2 of 4 stars). 4 submissions from 4 submitters: Pathogenic (4). Last evaluated 2025-01-02.

Conditions:
Early-infantile DEE. Also called: Early infantile epileptic encephalopathy with suppression bursts; Early infantile epileptic encephalopathy; Ohtahara syndrome. Identifiers: Orphanet 1934, MedGen C0393706, MONDO:0800491.
SCN1A-related disorder. Also called: SCN1A-related conditions; SCN1A-related condition; SCN1A-related disorders.
Generalized epilepsy with febrile seizures plus, type 2 (GEFSP2). Also called: GEFS+, TYPE 2. Identifiers: Orphanet 36387, MedGen C1858673, MONDO:0011461, OMIM 604403.
Severe myoclonic epilepsy in infancy (DRVT). Also called: Epileptic encephalopathy, early infantile, 6 (Dravet syndrome); Dravet syndrome; SEVERE MYOCLONIC EPILEPSY OF INFANCY; DEVELOPMENTAL AND EPILEPTIC ENCEPHALOPATHY 6A; Severe Myoclonic Epilepsy in Infancy (SMEI). Identifiers: Orphanet 33069, MedGen C0751122, MONDO:0100135, OMIM 607208.

Submissions (4):

Labcorp Genetics (formerly Invitae), Labcorp
Classification: Pathogenic for Early-infantile DEE. Last evaluated: 2025-01-02. Review status: criteria provided, single submitter. Criteria: Invitae Variant Classification Sherloc (09022015). Collection method: clinical testing. Allele origin: germline.
Comment: This sequence change creates a premature translational stop signal (p.Trp1408*) in the SCN1A gene. It is expected to result in an absent or disrupted protein product. Loss-of-function variants in SCN1A are known to be pathogenic (PMID: 17347258, 18930999). This variant is not present in population databases (gnomAD no frequency). This premature translational stop signal has been observed in individual(s) with severe myoclonic epilepsy in infancy (PMID: 12566275). ClinVar contains an entry for this variant (Variation ID: 189947). Algorithms developed to predict the effect of sequence changes on RNA splicing suggest that this variant may disrupt the consensus splice site. For these reasons, this variant has been classified as Pathogenic.

Blueprint Genetics
Classification: Pathogenic for SCN1A-related disorders. Last evaluated: 2020-11-06. Review status: criteria provided, single submitter. Criteria: ACMG Guidelines, 2015. Collection method: clinical testing. Allele origin: germline. Affected: yes. Observed: 1 variant allele.

Center for Bioinformatics, Peking University
Classification: Pathogenic for Dravet syndrome. Last evaluated: 2014-12-20. Review status: criteria provided, single submitter. Criteria: Xu et al. (Hum Mutat. 2015). Collection method: research. Allele origin: maternal. Affected: yes. Observed: 2 variant alleles. Study: University Clinical Cooperation “985 Project” PKU-2014-1-1.
Comment: Dravet syndrome (DS) probands were recruited from the outpatient and inpatient child neurology units of Peking University First Hospital from 2005 till present. The study was approved by the Ethics Committee of Peking University First Hospital and the Institutional Review Board at Peking University. Participants or their parents provided written informed consent before enrollment. We collected a total of 267 mutations from 255 families with probands diagnosed with DS in China. All probands fulfilled the clinical diagnostic criteria.

Lifecell International Pvt. Ltd
Classification: Pathogenic for Generalized epilepsy with febrile seizures plus, type 2. Review status: criteria provided, single submitter. Criteria: ACMG Guidelines 2015. Collection method: clinical testing. Allele origin: germline. Inheritance: Autosomal dominant inheritance. Affected: yes. Observed: 1 variant allele, 1 heterozygote.
Comment: A heterozygous nonsense variation in exon 24 of the SCN1A gene (c.4223G>A) that results in a stop codon and premature truncation of the protein at codon 1408 (p.Trp1408Ter) was detected. The observed variant is not present in both the 1000 Genomes and gnomAD databases. The reference base is conserved across the species and in-silico prediction by Mutation taster is damaging. This variant has previously been reported for Dravet Syndrome by Xu X. et al., 2015. The stop gained p.Trp1408Ter in SCN1A (NM_001165963.4) has been reported to ClinVar as Pathogenic with a status of (1 stars) criteria provided, single submitter (Variation ID 189947 as of 2020-03-05). The gene SCN1A has a low rate of benign loss of function variants as indicated by a high LoF variants Z-Score of 7.90. The p.Trp1408Ter variant is a loss of function variant in the gene SCN1A, which is intolerant of Loss of Function variants, as indicated by the presence of existing pathogenic loss of function variant NP_001159435.1:p.Met1Ile and 346 others. There are 88 downstream pathogenic loss of function variants, with the furthest variant being 518 residues downstream of the variant p.Trp1408Ter. Based on the above evidence this variant has been classified as pathogenic according to the ACMG guidelines.

Literature cited by the submitters: PubMed 17347258 (cited by Labcorp Genetics (formerly Invitae), Labcorp); PubMed 18930999 (cited by Labcorp Genetics (formerly Invitae), Labcorp); PubMed 12566275 (cited by Labcorp Genetics (formerly Invitae), Labcorp).

NM_001165963.4(SCN1A):c.4223G>A (p.Trp1408Ter)

Genes: SCN1A (sodium voltage-gated channel alpha subunit 1; minus strand), LOC102724058 (uncharacterized LOC102724058; plus strand). Cytogenetic location: 2q24.3.
Variant type: single nucleotide variant.
Coding change: c.4223G>A on transcript NM_001165963.4 (MANE Select); coding-DNA position 4223, G replaced by A.
Protein change: p.Trp1408Ter; replaces tryptophan 1408 with a stop codon.
Molecular consequence: nonsense. On other transcripts: non-coding transcript variant (1).
Genome position (GRCh38, 1-based): chr2:166,002,533, C>T on the plus strand (G>A on the coding strand, the complement: SCN1A is on the minus strand). VCF-style: chr2-166002533-C-T. GRCh37 (hg19) VCF-style: chr2-166859043-C-T.
Other names: c.4139G>A, p.Trp1380Ter (NM_001165964.3, NM_001353957.2, NM_001353958.2); c.4223G>A, p.Trp1408Ter (NM_001202435.3, NM_001353948.2); c.4190G>A, p.Trp1397Ter (NM_001353949.2, NM_001353950.2, NM_001353951.2 and 2 more transcripts); c.4187G>A, p.Trp1396Ter (NM_001353954.2, NM_001353955.2); c.4136G>A, p.Trp1379Ter (NM_001353960.2); c.1781G>A, p.Trp594Ter (NM_001353961.2); short protein forms W1397*, W1408*, W1396*, W1380*, W1379*, W594*.
Identifiers: ClinVar variation 189947 (VCV000189947.6), dbSNP rs794726784, ClinGen allele CA303381.